The following is an entry in ClinVar:

ClinVar aggregate classification (germline): Benign/Likely benign. Review status: criteria provided, multiple submitters, no conflicts (2 of 4 stars). 2 submissions from 2 submitters: Benign (1); Likely benign (1). Last evaluated 2026-06-23.

Conditions:
Hereditary cancer-predisposing syndrome. Also called: Tumor predisposition; Hereditary Cancer Syndrome; Hereditary neoplastic syndrome; Neoplastic Syndromes, Hereditary. Identifiers: Orphanet 140162, MedGen C0027672, MeSH D009386, MONDO:0015356.
Retinoblastoma (RB1). Also called: RETINOBLASTOMA, SOMATIC. Identifiers: Orphanet 790, MedGen C0035335, MeSH D012175, MONDO:0008380, OMIM 180200, HP:0009919. Disease mechanism: loss of function. Inheritance: Both sporadic and heritable forms are tested..

Submissions (2):

Myriad Genetics, Inc.
Classification: Benign for Retinoblastoma. Last evaluated: 2026-06-23. Review status: criteria provided, single submitter. Criteria: Myriad Autosomal Dominant, Autosomal Recessive and X-Linked Classification Criteria (2023). Collection method: clinical testing. Allele origin: unknown.
Comment: This variant is considered benign. This variant is a silent/synonymous amino acid change and it is not expected to impact splicing.

Ambry Genetics
Classification: Likely benign for Hereditary cancer-predisposing syndrome. Last evaluated: 2018-06-21. Review status: criteria provided, single submitter. Criteria: Ambry Variant Classification Scheme 2023. Collection method: clinical testing. Allele origin: germline.

NM_000321.3(RB1):c.309C>A (p.Ile103=)

Gene: RB1 (RB transcriptional corepressor 1; plus strand). Cytogenetic location: 13q14.2.
Variant type: single nucleotide variant.
Coding change: c.309C>A on transcript NM_000321.3 (MANE Select); coding-DNA position 309, C replaced by A.
Protein change: p.Ile103=; no amino-acid change (isoleucine 103 retained).
Molecular consequence: synonymous variant.
Genome position (GRCh38, 1-based): chr13:48,342,643, C>A. VCF-style: chr13-48342643-C-A. GRCh37 (hg19) VCF-style: chr13-48916779-C-A.
Identifiers: ClinVar variation 822877 (VCV000822877.5), dbSNP rs1593434233, ClinGen allele CA483726161.